The following is an entry in ClinVar:

ClinVar aggregate classification (germline): Uncertain significance (1 of 4 stars; one submission).

Conditions:
Hereditary cancer-predisposing syndrome. Also called: Hereditary Cancer Syndrome; Hereditary neoplastic syndrome; Neoplastic Syndromes, Hereditary; Tumor predisposition. Identifiers: Orphanet 140162, MedGen C0027672, MeSH D009386, MONDO:0015356.

Submission:

Ambry Genetics
Classification: Uncertain significance for Hereditary cancer-predisposing syndrome. Last evaluated: 2025-07-24. Review status: criteria provided, single submitter. Criteria: Ambry Variant Classification Scheme 2023. Collection method: clinical testing. Allele origin: germline.
Comment: The p.N886T variant (also known as c.2657A>C), located in coding exon 16 of the ALK gene, results from an A to C substitution at nucleotide position 2657. The asparagine at codon 886 is replaced by threonine, an amino acid with similar properties. This amino acid position is conserved. In addition, this alteration is predicted to be tolerated by in silico analysis. Based on the available evidence, the clinical significance of this variant remains unclear.

NM_004304.5(ALK):c.2657A>C (p.Asn886Thr)

Gene: ALK (ALK receptor tyrosine kinase; minus strand). Cytogenetic location: 2p23.2.
Variant type: single nucleotide variant.
Coding change: c.2657A>C on transcript NM_004304.5 (MANE Select); coding-DNA position 2657, A replaced by C.
Protein change: p.Asn886Thr; replaces asparagine 886 with threonine.
Molecular consequence: missense variant.
Genome position (GRCh38, 1-based): chr2:29,229,042, T>G on the plus strand (A>C on the coding strand, the complement: ALK is on the minus strand). VCF-style: chr2-29229042-T-G. GRCh37 (hg19) VCF-style: chr2-29451908-T-G.
Other names: short protein forms N886T.
Identifiers: ClinVar variation 4272620 (VCV004272620.1).